The following is an entry in ClinVar:

ClinVar aggregate classification (germline): Uncertain significance. Review status: criteria provided, multiple submitters, no conflicts (2 of 4 stars). 7 submissions from 7 submitters: Uncertain significance (6). 1 of the submissions does not count toward it. Last evaluated 2026-01-01.

Conditions:
Facial dysmorphism-immunodeficiency-livedo-short stature syndrome. Also called: Facial dysmorphism, immunodeficiency, livedo, and short stature; FILS syndrome. Identifiers: Orphanet 352712, MedGen C3554576, MONDO:0014058, OMIM 615139.
Colorectal cancer, susceptibility to, 12 (CRCS12). Also called: COLORECTAL CANCER, SUSCEPTIBILITY TO, ON CHROMOSOME 12q24. Identifiers: Orphanet 220460, MedGen C3554460, MONDO:0014038, OMIM 615083.
Intrauterine growth retardation, metaphyseal dysplasia, adrenal hypoplasia congenita, genital anomalies, and immunodeficiency. Also called: IMAGEI SYNDROME. Identifiers: MedGen C5193036, MONDO:0032684, OMIM 618336.
POLE-related disorder. Also called: POLE-related condition; POLE-related disorders.
Hereditary cancer-predisposing syndrome. Also called: Hereditary neoplastic syndrome; Neoplastic Syndromes, Hereditary; Hereditary Cancer Syndrome; Tumor predisposition. Identifiers: Orphanet 140162, MedGen C0027672, MeSH D009386, MONDO:0015356.

Allele frequency attached by ClinVar (database versions not stated): ExAC 0.00001; gnomAD exomes 0.00001 and 0.00003; gnomAD 0.00003 and 0.00004; TOPMed 0.00004.
gnomAD v4.1: 53 of 1,598,284 alleles (0.0033%); highest among the groups gnomAD compares: Non-Finnish European, 0.0044%; no homozygotes.

Submissions (7):

Labcorp Genetics (formerly Invitae), Labcorp
Classification: Uncertain significance. Last evaluated: 2026-01-01. Review status: criteria provided, single submitter. Criteria: Invitae Variant Classification Sherloc (09022015). Collection method: clinical testing. Allele origin: germline.
Comment: This sequence change replaces arginine, which is basic and polar, with cysteine, which is neutral and slightly polar, at codon 680 of the POLE protein (p.Arg680Cys). This variant is present in population databases (rs764044031, gnomAD 0.007%). This variant has not been reported in the literature in individuals affected with POLE-related conditions. ClinVar contains an entry for this variant (Variation ID: 405754). Invitae Evidence Modeling of protein sequence and biophysical properties (such as structural, functional, and spatial information, amino acid conservation, physicochemical variation, residue mobility, and thermodynamic stability) indicates that this missense variant is expected to disrupt POLE protein function with a positive predictive value of 80%. In summary, the available evidence is currently insufficient to determine the role of this variant in disease. Therefore, it has been classified as a Variant of Uncertain Significance.

Department of Pathology and Laboratory Medicine, Sinai Health System
Classification: Uncertain significance for Colorectal cancer, susceptibility to, 12; Facial dysmorphism-immunodeficiency-livedo-short stature syndrome; Intrauterine growth retardation, metaphyseal dysplasia, adrenal hypoplasia congenita, genital anomalies, and immunodeficiency. Last evaluated: 2025-01-07. Review status: criteria provided, single submitter. Criteria: ACMG Guidelines, 2015. Collection method: clinical testing. Allele origin: germline.

Ambry Genetics
Classification: Uncertain significance for Hereditary cancer-predisposing syndrome. Last evaluated: 2024-12-17. Review status: criteria provided, single submitter. Criteria: Ambry Variant Classification Scheme 2023. Collection method: clinical testing. Allele origin: germline.
Comment: The p.R680C variant (also known as c.2038C>T), located in coding exon 19 of the POLE gene, results from a C to T substitution at nucleotide position 2038. The arginine at codon 680 is replaced by cysteine, an amino acid with highly dissimilar properties. This amino acid position is highly conserved in available vertebrate species. In addition, the in silico prediction for this alteration is inconclusive. Based on the available evidence, the clinical significance of this variant remains unclear.

GeneDx
Classification: Uncertain significance. Last evaluated: 2024-09-11. Review status: criteria provided, single submitter. Criteria: GeneDx Variant Classification Process June 2021. Collection method: clinical testing. Allele origin: germline. Affected: yes.
Comment: Not observed at significant frequency in large population cohorts (gnomAD); In silico analysis supports that this missense variant has a deleterious effect on protein structure/function; Has not been previously published as pathogenic or benign to our knowledge; This variant is associated with the following publications: (PMID: 20951805)

Blueprint Genetics
Classification: Uncertain significance. Last evaluated: 2023-03-06. Review status: criteria provided, single submitter. Criteria: ACMG Guidelines, 2015. Collection method: clinical testing. Allele origin: germline.

MGZ Medical Genetics Center
Classification: Uncertain significance for Colorectal cancer, susceptibility to, 12. Last evaluated: 2022-04-08. Review status: criteria provided, single submitter. Criteria: ACMG Guidelines, 2015. Collection method: clinical testing. Allele origin: germline. Affected: yes. Observed: 1 variant allele.
Comment: ACMG criteria applied: PM2_SUP, BP4

PreventionGenetics, part of Exact Sciences
Classification: Uncertain significance for POLE-related condition. Last evaluated: 2024-04-17. Review status: no assertion criteria provided. Collection method: clinical testing. Allele origin: germline. Not counted in ClinVar's aggregate classification.
Comment: The POLE c.2038C>T variant is predicted to result in the amino acid substitution p.Arg680Cys. To our knowledge, this variant has not been reported in the literature. This variant is reported in 0.0062% of alleles in individuals of African descent in gnomAD. This variant is interpreted as uncertain significance in ClinVar. At this time, the clinical significance of this variant is uncertain due to the absence of conclusive functional and genetic evidence.

NM_006231.4(POLE):c.2038C>T (p.Arg680Cys)

Gene: POLE (DNA polymerase epsilon, catalytic subunit; minus strand). Cytogenetic location: 12q24.33.
Variant type: single nucleotide variant.
Coding change: c.2038C>T on transcript NM_006231.4 (MANE Select); coding-DNA position 2038, C replaced by T.
Protein change: p.Arg680Cys; replaces arginine 680 with cysteine.
Molecular consequence: missense variant.
Genome position (GRCh38, 1-based): chr12:132,668,491, G>A on the plus strand (C>T on the coding strand, the complement: POLE is on the minus strand). VCF-style: chr12-132668491-G-A. GRCh37 (hg19) VCF-style: chr12-133245077-G-A.
Other names: short protein forms R680C.
Identifiers: ClinVar variation 405754 (VCV000405754.20), dbSNP rs764044031, ClinGen allele CA6893701.